The following is an entry in ClinVar:

ClinVar aggregate classification (germline): Uncertain significance. Review status: criteria provided, multiple submitters, no conflicts (2 of 4 stars). 2 submissions from 2 submitters: Uncertain significance (2). Last evaluated 2022-11-11.

Submissions (2):

GeneDx
Classification: Uncertain significance. Last evaluated: 2022-11-11. Review status: criteria provided, single submitter. Criteria: GeneDx Variant Classification Process June 2021. Collection method: clinical testing. Allele origin: germline. Affected: yes.
Comment: Not observed at significant frequency in large population cohorts (gnomAD); In silico analysis supports that this missense variant has a deleterious effect on protein structure/function; Has not been previously published as pathogenic or benign to our knowledge

CeGaT Center for Human Genetics Tuebingen
Classification: Uncertain significance. Last evaluated: 2022-09-01. Review status: criteria provided, single submitter. Criteria: CeGaT Center For Human Genetics Tuebingen Variant Classification Criteria Version 2. Collection method: clinical testing. Allele origin: germline. Affected: yes. Observed: 1 variant allele.
Comment: CACNA1G: PM2, PP2

NM_018896.5(CACNA1G):c.4781A>C (p.Tyr1594Ser)

Gene: CACNA1G (calcium voltage-gated channel subunit alpha1 G; plus strand). Cytogenetic location: 17q21.33.
Variant type: single nucleotide variant.
Coding change: c.4781A>C on transcript NM_018896.5 (MANE Select); coding-DNA position 4781, A replaced by C.
Protein change: p.Tyr1594Ser; replaces tyrosine 1594 with serine.
Molecular consequence: missense variant. On other transcripts: non-coding transcript variant (5).
Genome position (GRCh38, 1-based): chr17:50,615,382, A>C. VCF-style: chr17-50615382-A-C. GRCh37 (hg19) VCF-style: chr17-48692743-A-C.
Other names: c.4727A>C, p.Tyr1576Ser (NM_001256324.2, NM_001256328.2, NM_198386.3); c.4802A>C, p.Tyr1601Ser (NM_001256325.2); c.4646A>C, p.Tyr1549Ser (NM_001256326.2, NM_001256330.2); c.4781A>C, p.Tyr1594Ser (NM_001256327.2, NM_001256333.2, NM_198384.3 and 1 more transcripts); c.4679A>C, p.Tyr1560Ser (NM_001256329.2, NM_198376.3, NM_198379.3 and 2 more transcripts); c.4625A>C, p.Tyr1542Ser (NM_001256331.2); c.4610A>C, p.Tyr1537Ser (NM_001256332.2); c.4748A>C, p.Tyr1583Ser (NM_001256334.2, NM_198377.3, NM_198378.3 and 1 more transcripts); and 5 more; short protein forms Y1537S, Y1542S, Y1549S, Y1553S, Y1556S, Y1558S, Y1560S, Y1567S.
Identifiers: ClinVar variation 2501915 (VCV002501915.25), dbSNP rs2050292245, ClinGen allele CA400261151.